The following is an entry in ClinVar:

NM_001127453.2(GSDME):c.1118G>A (p.Gly373Asp)

Gene: GSDME (gasdermin E; minus strand). Cytogenetic location: 7p15.3.
Variant type: single nucleotide variant.
Coding change: c.1118G>A on transcript NM_001127453.2 (MANE Select); coding-DNA position 1118, G replaced by A.
Protein change: p.Gly373Asp; replaces glycine 373 with aspartic acid.
Molecular consequence: missense variant.
Genome position (GRCh38, 1-based): chr7:24,706,249, C>T on the plus strand (G>A on the coding strand, the complement: GSDME is on the minus strand). VCF-style: chr7-24706249-C-T. GRCh37 (hg19) VCF-style: chr7-24745868-C-T.
Other names: c.626G>A, p.Gly209Asp (NM_001127454.2); c.1118G>A, p.Gly373Asp (NM_004403.3); short protein forms G373D, G209D.
Identifiers: ClinVar variation 178334 (VCV000178334.12), dbSNP rs146399987, ClinGen allele CA182128.

ClinVar aggregate classification (germline): Conflicting classifications of pathogenicity. Review status: criteria provided, conflicting classifications (1 of 4 stars). 5 submissions from 5 submitters: Uncertain significance (2); Likely benign (3). Last evaluated 2026-06-06.

Conditions:
GSDME-related disorder. Also called: GSDME-related condition.
Inborn genetic diseases. Identifiers: MedGen C0950123, MeSH D030342.

Allele frequency attached by ClinVar (database versions not stated): gnomAD exomes 0.00003 and 0.00006; ExAC 0.00006; ESP Exome Variant Server 0.00023; TOPMed 0.00026; gnomAD 0.00027 and 0.00031.
gnomAD v4.1: 79 of 1,614,104 alleles (0.0049%); highest among the groups gnomAD compares: African/African-American, 0.1%; no homozygotes.

Submissions (5):

PreventionGenetics, part of Exact Sciences
Classification: Likely benign for GSDME-related condition. Last evaluated: 2026-06-06. Review status: criteria provided, single submitter. Criteria: ACMG Guidelines, 2015. Collection method: clinical testing. Allele origin: germline.
Comment: This variant is classified as likely benign based on ACMG/AMP sequence variant interpretation guidelines (Richards et al. 2015 PMID: 25741868, with internal and published modifications).

Ambry Genetics
Classification: Uncertain significance for Inborn genetic diseases. Last evaluated: 2025-05-20. Review status: criteria provided, single submitter. Criteria: Ambry Variant Classification Scheme 2023. Collection method: clinical testing. Allele origin: germline.

Labcorp Genetics (formerly Invitae), Labcorp
Classification: Likely benign. Last evaluated: 2024-01-16. Review status: criteria provided, single submitter. Criteria: Invitae Variant Classification Sherloc (09022015). Collection method: clinical testing. Allele origin: germline.

GeneDx
Classification: Likely benign. Last evaluated: 2019-02-13. Review status: criteria provided, single submitter. Criteria: GeneDx Variant Classification Process June 2021. Collection method: clinical testing. Allele origin: germline. Affected: yes.

Laboratory for Molecular Medicine, Mass General Brigham Personalized Medicine
Classification: Uncertain significance. Last evaluated: 2014-06-03. Review status: criteria provided, single submitter. Criteria: LMM Criteria. Collection method: clinical testing. Allele origin: germline. Observed: 1 variant allele.
Comment: Variant classified as Uncertain Significance - Favor Benign. The Gly373Asp varia nt in DFNA5 has not been previously reported in individuals with hearing loss, b ut has been identified in 0.07% (3/4406) of African American chromosomes by the NHLBI Exome Sequencing Project (dbSNP rs146399 987). The glycine (Gly) at position 373 is not well conserved across species and the change to an aspartate (Asp) has been identified in dogs, suggesting that t his variant might be tolerated. Other computational prediction tools suggest tha t the Gly373Asp variant may not impact the protein, though this information is n ot predictive enough to rule out pathogenicity. In summary, the clinical signifi cance of this variant cannot be determined with certainty; however based upon th e arguments described above, we would lean towards a more likely benign role.